The following is an entry in ClinVar:

NM_000018.4(ACADVL):c.388G>T (p.Glu130Ter)

Gene: ACADVL (acyl-CoA dehydrogenase very long chain; plus strand). Cytogenetic location: 17p13.1.
Variant type: single nucleotide variant.
Coding change: c.388G>T on transcript NM_000018.4 (MANE Select); coding-DNA position 388, G replaced by T.
Protein change: p.Glu130Ter; replaces glutamic acid 130 with a stop codon.
Molecular consequence: nonsense.
Genome position (GRCh38, 1-based): chr17:7,220,969, G>T. VCF-style: chr17-7220969-G-T. GRCh37 (hg19) VCF-style: chr17-7124288-G-T.
Other names: c.322G>T, p.Glu108Ter (NM_001033859.3); c.457G>T, p.Glu153Ter (NM_001270447.2); c.160G>T, p.Glu54Ter (NM_001270448.2); short protein forms E108*, E153*, E130*, E54*.
Identifiers: ClinVar variation 3653294 (VCV003653294.3).

ClinVar aggregate classification (germline): Pathogenic. Review status: criteria provided, multiple submitters, no conflicts (2 of 4 stars). 2 submissions from 2 submitters: Pathogenic (2). Last evaluated 2025-09-29.

Conditions:
Very long chain acyl-CoA dehydrogenase deficiency (ACADVLD). Also called: Very Long-Chain Acyl-Coenzyme A Dehydrogenase Deficiency; VLCAD Deficiency. Identifiers: Orphanet 26793, MedGen C3887523, MONDO:0008723, OMIM 201475.

Submissions (2):

Myriad Genetics, Inc.
Classification: Pathogenic for Very long chain acyl-CoA dehydrogenase deficiency. Last evaluated: 2025-09-29. Review status: criteria provided, single submitter. Criteria: Myriad Autosomal Dominant, Autosomal Recessive and X-Linked Classification Criteria (2023). Collection method: clinical testing. Allele origin: unknown.
Comment: NM_000018.3(ACADVL):c.388G>T(E130*) is expected to be pathogenic in the context of very-long-chain acyl-CoA dehydrogenase deficiency. This variant is predicted to lead to an abnormal or absent protein product due to the creation of a premature termination codon in ACADVL, a gene where loss-of-function variants are known to be pathogenic. Please note: this variant was assessed in the context of healthy population screening.

Labcorp Genetics (formerly Invitae), Labcorp
Classification: Pathogenic for Very long chain acyl-CoA dehydrogenase deficiency. Last evaluated: 2024-05-14. Review status: criteria provided, single submitter. Criteria: Invitae Variant Classification Sherloc (09022015). Collection method: clinical testing. Allele origin: germline.
Comment: This sequence change creates a premature translational stop signal (p.Glu130*) in the ACADVL gene. It is expected to result in an absent or disrupted protein product. Loss-of-function variants in ACADVL are known to be pathogenic (PMID: 9973285, 11590124). This variant is not present in population databases (gnomAD no frequency). This variant has not been reported in the literature in individuals affected with ACADVL-related conditions. Algorithms developed to predict the effect of sequence changes on RNA splicing suggest that this variant may disrupt the consensus splice site. For these reasons, this variant has been classified as Pathogenic.

Literature cited by the submitters: PubMed 9973285 (cited by Labcorp Genetics (formerly Invitae), Labcorp); PubMed 11590124 (cited by Labcorp Genetics (formerly Invitae), Labcorp).